The following is an entry in ClinVar:

ClinVar aggregate classification (germline): Uncertain significance (1 of 4 stars; one submission).

Submission:

Athena Diagnostics
Classification: Uncertain significance. Last evaluated: 2025-03-13. Review status: criteria provided, single submitter. Criteria: Athena Diagnostics Criteria. Collection method: clinical testing. Allele origin: unknown.
Comment: Available data are insufficient to determine the clinical significance of the variant at this time. The frequency of this variant in the general population is uninformative in assessment of its pathogenicity. Polyphen and MutationTaster yielded discordant predictions regarding whether this amino acid change is damaging to the protein.

NM_000451.4(SHOX):c.139C>T (p.Arg47Trp)

Gene: SHOX (SHOX homeobox; plus strand). Cytogenetic location: Xp22.33.
Variant type: single nucleotide variant.
Coding change: c.139C>T on transcript NM_000451.4 (MANE Select); coding-DNA position 139, C replaced by T.
Protein change: p.Arg47Trp; replaces arginine 47 with tryptophan.
Molecular consequence: missense variant.
Genome position (GRCh38, 1-based): chrX:631,036, C>T. VCF-style: chrX-631036-C-T. GRCh37 (hg19) VCF-style: chrX-591771-C-T.
Other names: c.139C>T, p.Arg47Trp (NM_006883.2); short protein forms R47W.
Identifiers: ClinVar variation 4682218 (VCV004682218.1).